The following is an entry in ClinVar:

ClinVar aggregate classification (germline): Uncertain significance (1 of 4 stars; one submission).

Submission:

Labcorp Genetics (formerly Invitae), Labcorp
Classification: Uncertain significance. Last evaluated: 2024-04-11. Review status: criteria provided, single submitter. Criteria: Invitae Variant Classification Sherloc (09022015). Collection method: clinical testing. Allele origin: germline.
Comment: This sequence change replaces valine, which is neutral and non-polar, with leucine, which is neutral and non-polar, at codon 386 of the UGT1A1 protein (p.Val386Leu). This variant is not present in population databases (gnomAD no frequency). This variant has not been reported in the literature in individuals affected with UGT1A1-related conditions. Advanced modeling of protein sequence and biophysical properties (such as structural, functional, and spatial information, amino acid conservation, physicochemical variation, residue mobility, and thermodynamic stability) has been performed at Invitae for this missense variant, however the output from this modeling did not meet the statistical confidence thresholds required to predict the impact of this variant on UGT1A1 protein function. In summary, the available evidence is currently insufficient to determine the role of this variant in disease. Therefore, it has been classified as a Variant of Uncertain Significance.

NM_000463.3(UGT1A1):c.1156G>C (p.Val386Leu)

Genes: UGT1A (UDP glucuronosyltransferase family 1 member A complex locus; plus strand), UGT1A1 (UDP glucuronosyltransferase family 1 member A1; plus strand), UGT1A10 (UDP glucuronosyltransferase family 1 member A10; plus strand), UGT1A3 (UDP glucuronosyltransferase family 1 member A3; plus strand), UGT1A4 (UDP glucuronosyltransferase family 1 member A4; plus strand) and 5 more. Cytogenetic location: 2q37.1.
Variant type: single nucleotide variant.
Coding change: c.1156G>C on transcript NM_000463.3 (MANE Select); coding-DNA position 1156, G replaced by C.
Protein change: p.Val386Leu; replaces valine 386 with leucine.
Molecular consequence: missense variant.
Genome position (GRCh38, 1-based): chr2:233,768,291, G>C. VCF-style: chr2-233768291-G-C. GRCh37 (hg19) VCF-style: chr2-234676937-G-C.
Other names: c.1159G>C, p.Val387Leu (NM_019093.4, NM_019078.2, NM_007120.3); c.1147G>C, p.Val383Leu (NM_019075.4, NM_019076.5, NM_019077.3 and 1 more transcripts); c.1153G>C, p.Val385Leu (NM_001072.4); c.352G>C, p.Val118Leu (NM_205862.3); short protein forms V118L, V383L, V385L, V387L, V386L.
Identifiers: ClinVar variation 3649556 (VCV003649556.2).